The following is an entry in ClinVar:

ClinVar aggregate classification (germline): Uncertain significance (1 of 4 stars; one submission).

Submission:

Labcorp Genetics (formerly Invitae), Labcorp
Classification: Uncertain significance. Last evaluated: 2022-01-15. Review status: criteria provided, single submitter. Criteria: Invitae Variant Classification Sherloc (09022015). Collection method: clinical testing. Allele origin: germline.
Comment: In summary, the available evidence is currently insufficient to determine the role of this variant in disease. Therefore, it has been classified as a Variant of Uncertain Significance. This sequence change replaces serine, which is neutral and polar, with tyrosine, which is neutral and polar, at codon 57 of the MAFB protein (p.Ser57Tyr). This variant is not present in population databases (gnomAD no frequency). Algorithms developed to predict the effect of missense changes on protein structure and function (SIFT, PolyPhen-2, Align-GVGD) all suggest that this variant is likely to be disruptive. This variant has not been reported in the literature in individuals affected with MAFB-related conditions.

NM_005461.5(MAFB):c.170C>A (p.Ser57Tyr)

Gene: MAFB (MAF bZIP transcription factor B; minus strand). Cytogenetic location: 20q12.
Variant type: single nucleotide variant.
Coding change: c.170C>A on transcript NM_005461.5 (MANE Select); coding-DNA position 170, C replaced by A.
Protein change: p.Ser57Tyr; replaces serine 57 with tyrosine.
Molecular consequence: missense variant.
Genome position (GRCh38, 1-based): chr20:40,688,681, G>T on the plus strand (C>A on the coding strand, the complement: MAFB is on the minus strand). VCF-style: chr20-40688681-G-T. GRCh37 (hg19) VCF-style: chr20-39317321-G-T.
Other names: short protein forms S57Y.
Identifiers: ClinVar variation 2083161 (VCV002083161.4), dbSNP rs2515463668, ClinGen allele CA408941746.